The following is an entry in ClinVar:

ClinVar aggregate classification (germline): Uncertain significance (1 of 4 stars; one submission).

Submission:

Labcorp Genetics (formerly Invitae), Labcorp
Classification: Uncertain significance. Last evaluated: 2024-05-21. Review status: criteria provided, single submitter. Criteria: Invitae Variant Classification Sherloc (09022015). Collection method: clinical testing. Allele origin: germline.
Comment: This sequence change replaces alanine, which is neutral and non-polar, with valine, which is neutral and non-polar, at codon 675 of the DVL3 protein (p.Ala675Val). This variant is not present in population databases (gnomAD no frequency). This variant has not been reported in the literature in individuals affected with DVL3-related conditions. Advanced modeling of protein sequence and biophysical properties (such as structural, functional, and spatial information, amino acid conservation, physicochemical variation, residue mobility, and thermodynamic stability) performed at Invitae indicates that this missense variant is not expected to disrupt DVL3 protein function with a negative predictive value of 80%. In summary, the available evidence is currently insufficient to determine the role of this variant in disease. Therefore, it has been classified as a Variant of Uncertain Significance.

NM_004423.4(DVL3):c.2024C>T (p.Ala675Val)

Gene: DVL3 (dishevelled segment polarity protein 3; plus strand). Cytogenetic location: 3q27.1.
Variant type: single nucleotide variant.
Coding change: c.2024C>T on transcript NM_004423.4 (MANE Select); coding-DNA position 2024, C replaced by T.
Protein change: p.Ala675Val; replaces alanine 675 with valine.
Molecular consequence: missense variant.
Genome position (GRCh38, 1-based): chr3:184,170,628, C>T. VCF-style: chr3-184170628-C-T. GRCh37 (hg19) VCF-style: chr3-183888416-C-T.
Other names: short protein forms A675V.
Identifiers: ClinVar variation 3620823 (VCV003620823.2).
Genomic context (GRCh38, chr3:184,170,628, plus strand): 5'-CTCCCGGAGTGCCCCCTCTCTACGGCCCCCCCATGCTGATGATGCCCCCGCCGCCCGCGG[C>T]CATGGGGCCCCCAGGAGCCCCTCCGGGCCGCGACCTGGCCTCAGTGCCCCCGGAACTGAC-3'
Protein context (NP_004414.3, residues 665-685): PMLMMPPPPA[Ala675Val]MGPPGAPPGR